The following is an entry in ClinVar:

ClinVar aggregate classification (germline): Conflicting classifications of pathogenicity. Review status: criteria provided, conflicting classifications (1 of 4 stars). 8 submissions from 8 submitters: Pathogenic (3); Likely pathogenic (2); Uncertain significance (2). 1 of the submissions does not count toward it. Last evaluated 2024-09-29.

Conditions:
RYR1-related disorder. Also called: RYR1-related condition; RYR1-related disorders. Identifiers: MedGen CN239331.
Central core myopathy (CMYO1A). Also called: CONGENITAL MYOPATHY 1A, AUTOSOMAL DOMINANT, WITH SUSCEPTIBILITY TO MALIGNANT HYPERTHERMIA; Central core disease; Myopathy, central fibrillar. Identifiers: Orphanet 597, MedGen C5830701, MONDO:0007294, OMIM 117000.
Congenital multicore myopathy with external ophthalmoplegia (CMYO1B). Also called: Congenital myopathy 1B, autosomal recessive; Minicore myopathy; Minicore myopathy with external ophthalmoplegia; MULTIMINICORE DISEASE WITH EXTERNAL OPHTHALMOPLEGIA; MULTICORE MYOPATHY. Identifiers: Orphanet 598, Orphanet 98905, MedGen C1850674, MONDO:0009712, OMIM 255320, HP:0003789.
Malignant hyperthermia, susceptibility to, 1 (MHS1). Also called: Malignant hyperthermia suceptibility 1; RYR1-Related Malignant Hyperthermia Susceptibility; Anesthesia related hyperthermia; Malignant hyperpyrexia; Fulminating hyperpyrexia; Pharmacogenic myopathy. Identifiers: Orphanet 423, MedGen C2930980, MONDO:0007783, OMIM 145600.
King Denborough syndrome (KDS). Identifiers: MedGen C1840365, MONDO:0020485, OMIM 619542.

Allele frequency attached by ClinVar (database versions not stated): gnomAD exomes below 0.00001; gnomAD 0.00001; TOPMed 0.00001.
gnomAD v4.1: 12 of 1,611,690 alleles (0.00074%); highest among the groups gnomAD compares: South Asian, 0.0022%; no homozygotes.

Submissions (8):

Labcorp Genetics (formerly Invitae), Labcorp
Classification: Pathogenic for RYR1-related disorder. Last evaluated: 2024-09-29. Review status: criteria provided, single submitter. Criteria: Invitae Variant Classification Sherloc (09022015). Collection method: clinical testing. Allele origin: germline.
Comment: This sequence change creates a premature translational stop signal (p.Gln2620*) in the RYR1 gene. It is expected to result in an absent or disrupted protein product. Loss-of-function variants in RYR1 are known to be pathogenic (PMID: 23919265, 25960145, 28818389, 30611313). This variant is present in population databases (no rsID available, gnomAD 0.0009%). This premature translational stop signal has been observed in individual(s) with multi-minicore disease (PMID: 25960145; internal data). ClinVar contains an entry for this variant (Variation ID: 948615). For these reasons, this variant has been classified as Pathogenic.

All of Us Research Program, National Institutes of Health
Classification: Uncertain significance for Malignant hyperthermia, susceptibility to, 1. Last evaluated: 2024-08-30. Review status: criteria provided, single submitter. Criteria: ACMG Guidelines, 2015. Collection method: clinical testing. Allele origin: germline. Inheritance: Autosomal dominant inheritance. Observed: 8 variant alleles, 8 heterozygotes.
Comment: This variant changes 1 nucleotide in exon 49 of the RYR1 gene, creating a premature translation stop signal. This variant is expected to result in an absent or non-functional protein product. To our knowledge, this variant has not been reported in individuals affected with malignant hyperthermia susceptibility. This variant has been identified in 1/249786 chromosomes in the general population by the Genome Aggregation Database (gnomAD). Loss of RYR1 function due to haploinsufficiency is not an established disease mechanism for autosomal dominant malignant hyperthermia, although it is associated with other phenotypes (ClinVar Variation ID: 948615, PMID: 25960145). Due to insufficient evidence, this variant is classified as a Variant of Uncertain Significance for autosomal dominant malignant hyperthermia.

This study involves interpretation of variants in research participants for the purpose of population health screening. Participant phenotype was not available at the time of variant classification. Additional details can be found in publication PMID: 35346344, PMCID: PMC8962531

Color Diagnostics, LLC DBA Color Health
Classification: Uncertain significance for Malignant hyperthermia, susceptibility to, 1. Last evaluated: 2024-06-25. Review status: criteria provided, single submitter. Criteria: ACMG Guidelines, 2015. Collection method: clinical testing. Allele origin: germline.
Comment: This variant changes 1 nucleotide in exon 49 of the RYR1 gene, creating a premature translation stop signal. This variant is expected to result in an absent or non-functional protein product. To our knowledge, this variant has not been reported in individuals affected with malignant hyperthermia susceptibility. This variant has been identified in 1/249786 chromosomes in the general population by the Genome Aggregation Database (gnomAD). Loss of RYR1 function due to haploinsufficiency is not an established disease mechanism for autosomal dominant malignant hyperthermia, although it is associated with other phenotypes (ClinVar Variation ID: 948615, PMID: 25960145). Due to insufficient evidence, this variant is classified as a Variant of Uncertain Significance for autosomal dominant malignant hyperthermia.

Fulgent Genetics
Classification: Pathogenic for Central core myopathy; Malignant hyperthermia, susceptibility to, 1; Congenital multicore myopathy with external ophthalmoplegia; King Denborough syndrome. Last evaluated: 2024-06-04. Review status: criteria provided, single submitter. Criteria: ACMG Guidelines, 2015. Collection method: clinical testing. Allele origin: germline.

GeneDx
Classification: Likely pathogenic. Last evaluated: 2024-02-07. Review status: criteria provided, single submitter. Criteria: GeneDx Variant Classification Process June 2021. Collection method: clinical testing. Allele origin: germline. Affected: yes.
Comment: Reported in published literature in a patient with multiminicore disease who also harbored the R3539H variant in RYR1, which is classified as likely benign by GeneDx; familial segregation analysis was not performed (PMID: 25960145); Nonsense variant predicted to result in protein truncation or nonsense mediated decay in a gene for which loss-of-function is a known mechanism of disease; Not observed at significant frequency in large population cohorts (gnomAD); This variant is associated with the following publications: (PMID: 25960145)

Blueprint Genetics
Classification: Likely pathogenic for RYR1-related disorders. Last evaluated: 2021-09-13. Review status: criteria provided, single submitter. Criteria: ACMG Guidelines, 2015. Collection method: clinical testing. Allele origin: germline. Affected: yes. Observed: 3 variant alleles.

Revvity Omics, Revvity
Classification: Pathogenic. Last evaluated: 2019-09-26. Review status: criteria provided, single submitter. Criteria: ACMG Guidelines, 2015. Collection method: clinical testing. Allele origin: germline.

Developmental and Behavioral Pediatrics, First Affiliated Hospital of Jilin University
Classification: Likely pathogenic for Central core myopathy. Review status: no assertion criteria provided. Collection method: provider interpretation. Allele origin: de novo. Affected: yes. Not counted in ClinVar's aggregate classification.

Literature cited by the submitters: PubMed 23919265 (cited by Labcorp Genetics (formerly Invitae), Labcorp); PubMed 25960145 (cited by Labcorp Genetics (formerly Invitae), Labcorp and All of Us Research Program, National Institutes of Health); PubMed 28818389 (cited by Labcorp Genetics (formerly Invitae), Labcorp); PubMed 30611313 (cited by Labcorp Genetics (formerly Invitae), Labcorp).

NM_000540.3(RYR1):c.7858C>T (p.Gln2620Ter)

Gene: RYR1 (ryanodine receptor 1; plus strand). Cytogenetic location: 19q13.2.
Variant type: single nucleotide variant.
Coding change: c.7858C>T on transcript NM_000540.3 (MANE Select); coding-DNA position 7858, C replaced by T.
Protein change: p.Gln2620Ter; replaces glutamine 2620 with a stop codon.
Molecular consequence: nonsense.
Genome position (GRCh38, 1-based): chr19:38,502,902, C>T. VCF-style: chr19-38502902-C-T. GRCh37 (hg19) VCF-style: chr19-38993542-C-T.
Other names: c.7858C>T, p.Gln2620Ter (NM_001042723.2); short protein forms Q2620*.
Identifiers: ClinVar variation 948615 (VCV000948615.41), dbSNP rs1365856881, ClinGen allele CA082877.